The following is an entry in ClinVar:

NM_006949.4(STXBP2):c.1339_1340insAAA (p.Gly446_Thr447insLys)

Gene: STXBP2 (syntaxin binding protein 2; plus strand). Cytogenetic location: 19p13.2.
Variant type: Insertion.
Coding change: c.1339_1340insAAA on transcript NM_006949.4 (MANE Select); coding-DNA positions 1339 to 1340, AAA inserted.
Protein change: p.Gly446_Thr447insLys.
Molecular consequence: inframe insertion. On other transcripts: non-coding transcript variant (1).
Genome position: GRCh38 VCF-style: chr19-7645288-C-CAAA. GRCh37 (hg19) VCF-style: chr19-7710174-C-CAAA.
Other names: c.1330_1331insAAA, p.Gly443_Thr444insLys (NM_001127396.3); c.1372_1373insAAA, p.Gly457_Thr458insLys (NM_001272034.2).
Identifiers: ClinVar variation 864701 (VCV000864701.7), dbSNP rs2032088247, ClinGen allele CA916081217.

ClinVar aggregate classification (germline): Uncertain significance (1 of 4 stars; one submission).

Conditions:
Familial hemophagocytic lymphohistiocytosis 5. Also called: STXBP2-Related Familial Hemophagocytic Lymphohistiocytosis (STXBP2-fHLH). Identifiers: Orphanet 540, MedGen C2751293, MONDO:0013135, OMIM 613101.

Submission:

Labcorp Genetics (formerly Invitae), Labcorp
Classification: Uncertain significance for Familial hemophagocytic lymphohistiocytosis 5. Last evaluated: 2021-09-01. Review status: criteria provided, single submitter. Criteria: Invitae Variant Classification Sherloc (09022015). Collection method: clinical testing. Allele origin: germline.
Comment: This variant, c.1339_1340insAAA, results in the insertion of 1 amino acid(s) to the STXBP2 protein (p.Gly446_Thr447insLys), but otherwise preserves the integrity of the reading frame. This variant is not present in population databases (ExAC no frequency). This variant has not been reported in the literature in individuals affected with STXBP2-related conditions. Experimental studies and prediction algorithms are not available or were not evaluated, and the functional significance of this variant is currently unknown. In summary, the available evidence is currently insufficient to determine the role of this variant in disease. Therefore, it has been classified as a Variant of Uncertain Significance.